The following is an entry in ClinVar:

ClinVar aggregate classification (germline): Uncertain significance (1 of 4 stars; one submission).

Conditions:
Pitt-Hopkins-like syndrome 2 (PTHSL2). Identifiers: Orphanet 221150, Orphanet 600663, MedGen C3280479, MONDO:0013690, OMIM 614325.

Submission:

Labcorp Genetics (formerly Invitae), Labcorp
Classification: Uncertain significance for Pitt-Hopkins-like syndrome 2. Last evaluated: 2023-12-19. Review status: criteria provided, single submitter. Criteria: Invitae Variant Classification Sherloc (09022015). Collection method: clinical testing. Allele origin: germline.
Comment: This sequence change replaces glutamic acid, which is acidic and polar, with aspartic acid, which is acidic and polar, at codon 1328 of the NRXN1 protein (p.Glu1328Asp). This variant is not present in population databases (gnomAD no frequency). This variant has not been reported in the literature in individuals affected with NRXN1-related conditions. Advanced modeling of protein sequence and biophysical properties (such as structural, functional, and spatial information, amino acid conservation, physicochemical variation, residue mobility, and thermodynamic stability) performed at Invitae indicates that this missense variant is not expected to disrupt NRXN1 protein function. In summary, the available evidence is currently insufficient to determine the role of this variant in disease. Therefore, it has been classified as a Variant of Uncertain Significance.

NM_001330078.2(NRXN1):c.3864G>C (p.Glu1288Asp)

Gene: NRXN1 (neurexin 1; minus strand). Cytogenetic location: 2p16.3.
Variant type: single nucleotide variant.
Coding change: c.3864G>C on transcript NM_001330078.2 (MANE Select); coding-DNA position 3864, G replaced by C.
Protein change: p.Glu1288Asp; replaces glutamic acid 1288 with aspartic acid.
Molecular consequence: missense variant.
Genome position (GRCh38, 1-based): chr2:50,053,535, C>G on the plus strand (G>C on the coding strand, the complement: NRXN1 is on the minus strand). VCF-style: chr2-50053535-C-G. GRCh37 (hg19) VCF-style: chr2-50280673-C-G.
Other names: c.3984G>C, p.Glu1328Asp (NM_001135659.3); c.3840G>C, p.Glu1280Asp (NM_001330077.2, NM_001330082.2); c.3708G>C, p.Glu1236Asp (NM_001330083.2); c.3798G>C, p.Glu1266Asp (NM_001330084.2); c.3837G>C, p.Glu1279Asp (NM_001330085.2); c.3864G>C, p.Glu1288Asp (NM_001330086.2); c.3663G>C, p.Glu1221Asp (NM_001330087.2, NM_001330096.2); c.3693G>C, p.Glu1231Asp (NM_001330088.2); and 6 more; short protein forms E1231D, E1236D, E1266D, E1279D, E1288D, E223D, E1258D, E1280D.
Identifiers: ClinVar variation 2854928 (VCV002854928.3), dbSNP rs1448394086, ClinGen allele CA346819889.